The following is an entry in ClinVar:

ClinVar aggregate classification (germline): Uncertain significance (1 of 4 stars; one submission).

Conditions:
Hereditary cancer-predisposing syndrome. Also called: Tumor predisposition; Hereditary Cancer Syndrome; Neoplastic Syndromes, Hereditary; Hereditary neoplastic syndrome. Identifiers: Orphanet 140162, MedGen C0027672, MeSH D009386, MONDO:0015356.

Submission:

Ambry Genetics
Classification: Uncertain significance for Hereditary cancer-predisposing syndrome. Last evaluated: 2022-03-29. Review status: criteria provided, single submitter. Criteria: Ambry Variant Classification Scheme 2023. Collection method: clinical testing. Allele origin: germline.
Comment: The p.F93Y variant (also known as c.278T>A), located in coding exon 1 of the MEN1 gene, results from a T to A substitution at nucleotide position 278. The phenylalanine at codon 93 is replaced by tyrosine, an amino acid with highly similar properties. This amino acid position is conserved. In addition, this alteration is predicted to be deleterious by in silico analysis. Since supporting evidence is limited at this time, the clinical significance of this alteration remains unclear.

NM_001370259.2(MEN1):c.278T>A (p.Phe93Tyr)

Gene: MEN1 (menin 1; minus strand). Cytogenetic location: 11q13.1.
Variant type: single nucleotide variant.
Coding change: c.278T>A on transcript NM_001370259.2 (MANE Select); coding-DNA position 278, T replaced by A.
Protein change: p.Phe93Tyr; replaces phenylalanine 93 with tyrosine.
Molecular consequence: missense variant.
Genome position (GRCh38, 1-based): chr11:64,809,832, A>T on the plus strand (T>A on the coding strand, the complement: MEN1 is on the minus strand). VCF-style: chr11-64809832-A-T. GRCh37 (hg19) VCF-style: chr11-64577304-A-T.
Other names: c.278T>A, p.Phe93Tyr (NM_000244.4, NM_001370251.2, NM_001370260.2 and 20 more transcripts); short protein forms F93Y.
Identifiers: ClinVar variation 1796027 (VCV001796027.2), dbSNP rs2136186532, ClinGen allele CA381187500.